The following is an entry in ClinVar:

ClinVar aggregate classification (germline): Uncertain significance. Review status: criteria provided, multiple submitters, no conflicts (2 of 4 stars). 5 submissions from 5 submitters: Uncertain significance (5). Last evaluated 2025-06-17.

Conditions:
MYH14-related disorder. Also called: MYH14-related condition.
Inborn genetic diseases. Identifiers: MedGen C0950123, MeSH D030342.

Allele frequency attached by ClinVar (database versions not stated): ExAC 0.00002; gnomAD exomes 0.00002; TOPMed 0.00002; gnomAD 0.00003.
gnomAD v4.1: 27 of 1,610,332 alleles (0.0017%); highest among the groups gnomAD compares: Middle Eastern, 0.052%; no homozygotes.

Submissions (5):

PreventionGenetics, part of Exact Sciences
Classification: Uncertain significance for MYH14-related condition. Last evaluated: 2025-06-17. Review status: criteria provided, single submitter. Criteria: ACMG Guidelines, 2015. Collection method: clinical testing. Allele origin: germline.
Comment: The MYH14 c.4370G>A variant is predicted to result in the amino acid substitution p.Arg1457Gln. To our knowledge, this variant has not been reported in the literature. This variant is reported in 0.012% of alleles in individuals of Latino descent in gnomAD. Although we suspect that this variant may be benign, at this time, the clinical significance of this variant is uncertain due to the absence of conclusive functional and genetic evidence.

Ambry Genetics
Classification: Uncertain significance for Inborn genetic diseases. Last evaluated: 2025-01-24. Review status: criteria provided, single submitter. Criteria: Ambry Variant Classification Scheme 2023. Collection method: clinical testing. Allele origin: germline.

GeneDx
Classification: Uncertain significance. Last evaluated: 2024-03-27. Review status: criteria provided, single submitter. Criteria: GeneDx Variant Classification Process June 2021. Collection method: clinical testing. Allele origin: germline. Affected: yes.
Comment: In silico analysis supports that this missense variant does not alter protein structure/function; Has not been previously published as pathogenic or benign to our knowledge

Labcorp Genetics (formerly Invitae), Labcorp
Classification: Uncertain significance. Last evaluated: 2022-06-05. Review status: criteria provided, single submitter. Criteria: Invitae Variant Classification Sherloc (09022015). Collection method: clinical testing. Allele origin: germline.
Comment: This sequence change replaces arginine, which is basic and polar, with glutamine, which is neutral and polar, at codon 1416 of the MYH14 protein (p.Arg1416Gln). This variant is present in population databases (rs727503224, gnomAD 0.01%). This variant has not been reported in the literature in individuals affected with MYH14-related conditions. ClinVar contains an entry for this variant (Variation ID: 164190). Algorithms developed to predict the effect of missense changes on protein structure and function are either unavailable or do not agree on the potential impact of this missense change (SIFT: "Deleterious"; PolyPhen-2: "Probably Damaging"; Align-GVGD: "Class C0"). In summary, the available evidence is currently insufficient to determine the role of this variant in disease. Therefore, it has been classified as a Variant of Uncertain Significance.

Laboratory for Molecular Medicine, Mass General Brigham Personalized Medicine
Classification: Uncertain significance. Last evaluated: 2013-10-11. Review status: criteria provided, single submitter. Criteria: LMM Criteria. Collection method: clinical testing. Allele origin: germline. Observed: 1 variant allele.
Comment: The Arg1457Gln variant in MYH14 has not been reported in individuals with hearin g loss, and data from large population studies is insufficient. Computational an alyses (biochemical amino acid properties, conservation, AlignGVGD, PolyPhen2, a nd SIFT) do not provide strong support for or against an impact to the protein. In summary, additional data is needed to determine the clinical significance of this variant.

NM_001145809.2(MYH14):c.4370G>A (p.Arg1457Gln)

Gene: MYH14 (myosin heavy chain 14; plus strand). Cytogenetic location: 19q13.33.
Variant type: single nucleotide variant.
Coding change: c.4370G>A on transcript NM_001145809.2 (MANE Select); coding-DNA position 4370, G replaced by A.
Protein change: p.Arg1457Gln; replaces arginine 1457 with glutamine.
Molecular consequence: missense variant.
Genome position (GRCh38, 1-based): chr19:50,281,673, G>A. VCF-style: chr19-50281673-G-A. GRCh37 (hg19) VCF-style: chr19-50784930-G-A.
Other names: c.4271G>A, p.Arg1424Gln (NM_001077186.2); c.4247G>A, p.Arg1416Gln (NM_024729.4); c.4247G>A (NM_024729.3); short protein forms R1457Q, R1424Q, R1416Q.
Identifiers: ClinVar variation 164190 (VCV000164190.12), dbSNP rs727503224, ClinGen allele CA176904.
Genomic context (GRCh38, chr19:50,281,673, plus strand): 5'-GCCAGGAGGAGGAGGCAGGGGCACTGGAGGCAGGGGAGGAGGCACGGCGCCGGGCAGCCC[G>A]GGAGGCCGAGGCCCTGACCCAGCGCCTGGCAGAAAAGACAGAGACCGTGGATCGGCTGGA-3'
Protein context (NP_001139281.1, residues 1447-1467): AGEEARRRAA[Arg1457Gln]EAEALTQRLA